The following is an entry in ClinVar:

NM_001040151.2(SCN3B):c.204C>T (p.Gly68=)

Gene: SCN3B (sodium voltage-gated channel beta subunit 3; minus strand). Cytogenetic location: 11q24.1.
Variant type: single nucleotide variant.
Coding change: c.204C>T on transcript NM_001040151.2 (MANE Select); coding-DNA position 204, C replaced by T.
Protein change: p.Gly68=; no amino-acid change (glycine 68 retained).
Molecular consequence: synonymous variant.
Genome position (GRCh38, 1-based): chr11:123,645,602, G>A on the plus strand (C>T on the coding strand, the complement: SCN3B is on the minus strand). VCF-style: chr11-123645602-G-A. GRCh37 (hg19) VCF-style: chr11-123516310-G-A.
Other names: c.204C>T, p.Gly68= (NM_018400.4).
Identifiers: ClinVar variation 3793203 (VCV003793203.1).
Genomic context (GRCh38, chr11:123,645,602, plus strand): 5'-GCAGAGGCCAGCAGAAGAAAGGCCAGAGTCAGCAGTCTAACATACAAGGAAATCTTTACC[G>A]CCCTCGGGCCTGTAGAACCATTCCACCACCGTGGTGGCCTCCACCTCCTCTCTCTTCATG-3'
Protein context (NP_001035241.1, residues 58-78): TVVEWFYRPE[Gly68=]GKDFLIYEYR

ClinVar aggregate classification (germline): Uncertain significance (1 of 4 stars; one submission).

Conditions:
Cardiovascular phenotype. Identifiers: MedGen CN230736.

Submission:

Ambry Genetics
Classification: Uncertain significance for Cardiovascular phenotype. Last evaluated: 2025-01-31. Review status: criteria provided, single submitter. Criteria: Ambry Variant Classification Scheme 2023. Collection method: clinical testing. Allele origin: germline.
Comment: The c.204C>T variant (also known as p.G68G), located in coding exon 2 of the SCN3B gene, results from a C to T substitution at nucleotide position 204. This nucleotide substitution does not change the amino acid at codon 68. This nucleotide position is not well conserved in available vertebrate species. In silico splice site analysis predicts that this alteration may result in the creation or strengthening of a novel splice donor site. The evidence for this gene-disease relationship is limited; therefore, the clinical significance of this alteration is unclear.